The following is an entry in ClinVar:

ClinVar aggregate classification (germline): Uncertain significance (1 of 4 stars; one submission).

Submission:

GeneDx
Classification: Uncertain significance. Last evaluated: 2025-06-05. Review status: criteria provided, single submitter. Criteria: GeneDx Variant Classification Process June 2021. Collection method: clinical testing. Allele origin: germline. Affected: yes.
Comment: Not observed at significant frequency in large population cohorts (gnomAD); In silico analysis suggests that this missense variant does not alter protein structure/function; Has not been previously published as pathogenic or benign to our knowledge

NM_014159.7(SETD2):c.4759A>G (p.Lys1587Glu)

Gene: SETD2 (SET domain containing 2, histone lysine methyltransferase; minus strand). Cytogenetic location: 3p21.31.
Variant type: single nucleotide variant.
Coding change: c.4759A>G on transcript NM_014159.7 (MANE Select); coding-DNA position 4759, A replaced by G.
Protein change: p.Lys1587Glu; replaces lysine 1587 with glutamic acid.
Molecular consequence: missense variant. On other transcripts: non-coding transcript variant (1).
Genome position (GRCh38, 1-based): chr3:47,106,077, T>C on the plus strand (A>G on the coding strand, the complement: SETD2 is on the minus strand). VCF-style: chr3-47106077-T-C. GRCh37 (hg19) VCF-style: chr3-47147567-T-C.
Other names: c.4627A>G, p.Lys1543Glu (NM_001349370.3); short protein forms K1543E, K1587E.
Identifiers: ClinVar variation 4536161 (VCV004536161.1).